The following is an entry in ClinVar:

NM_144574.4(WDR20):c.432+2718_432+2721dup

Gene: WDR20 (WD repeat domain 20; plus strand). Cytogenetic location: 14q32.31.
Variant type: Duplication.
Coding change: c.432+2718_432+2721dup on transcript NM_144574.4 (MANE Select); bases 2718 to 2721 of the intron after coding-DNA position 432, 4 bases duplicated (AACT; older notation c.432+2718_432+2721dupAACT).
Molecular consequence: intron variant. On other transcripts: frameshift variant (4), 5 prime UTR variant (6).
Genome position (GRCh38, 1-based): chr14:102,197,838-102,197,841, AACT duplicated; duplicating any 4 consecutive bases within chr14:102,197,837-102,197,841 gives the same sequence; the c. name uses the placement nearest the transcript's 3' end. VCF-style (leftmost placement, unchanged base first): chr14-102197836-G-GTAAC. GRCh37 (hg19) VCF-style: chr14-102664173-G-GTAAC.
Other names: c.516_519dup, p.Val174fs (NM_001242415.2, NM_001242417.2, NM_001330228.3); c.-97_-94dup (NM_001353666.2, NM_001353667.2, NM_001353670.2 and 2 more transcripts); c.-90_-87dup (NM_001353677.2); c.-88+2718_-88+2721dup (NM_001353662.2, NM_001353669.2, NM_001353668.2 and 3 more transcripts); c.282+2718_282+2721dup (NM_001353658.2, NM_001353660.2); c.*1+4363_*1+4366dup (NM_001353681.2, NM_001242414.2); c.432+2718_432+2721dup (NM_001353656.2, NM_181291.3, NM_001353679.2 and 2 more transcripts); c.-81+2718_-81+2721dup (NM_001353675.2, NM_001353676.2, NM_001353678.2); and 7 more; short protein forms V174fs.
Identifiers: ClinVar variation 3335892 (VCV003335892.2).

ClinVar aggregate classification (germline): Uncertain significance (1 of 4 stars; one submission).

Conditions:
Dolichocephaly. Identifiers: MedGen C0221358, HP:0000268.
Global developmental delay (DD). Also called: Cognitive delay. Identifiers: MedGen C0557874, HP:0001263. Disease mechanism: loss of function.
Delayed speech and language development. Also called: Language delay. Identifiers: MedGen C0454644, HP:0000750.

Submission:

Human Genetics Section, Sidra Medicine
Classification: Uncertain significance for Global developmental delay; Dolichocephaly; Delayed speech and language development. Last evaluated: 2024-07-11. Review status: criteria provided, single submitter. Criteria: ACMG Guidelines, 2015. Collection method: research. Allele origin: de novo. Affected: yes. Observed: 1 heterozygote.
Comment: Variant of uncertain significance (VUS) curated from an online resource and Varsome. Consequently, Whole Genome Sequencing (WGS) was performed, which identified the variant responsible for explaining the observed phenotypes. We are currently preparing the publication detailing these findings, and the PubMed ID (PMID) will be provided upon its release.